The following is an entry in ClinVar:

NM_030632.3(ASXL3):c.36G>A (p.Trp12Ter)

Gene: ASXL3 (ASXL transcriptional regulator 3; plus strand). Cytogenetic location: 18q12.1.
Variant type: single nucleotide variant.
Coding change: c.36G>A on transcript NM_030632.3 (MANE Select); coding-DNA position 36, G replaced by A.
Protein change: p.Trp12Ter; replaces tryptophan 12 with a stop codon.
Molecular consequence: nonsense.
Genome position (GRCh38, 1-based): chr18:33,578,667, G>A. VCF-style: chr18-33578667-G-A. GRCh37 (hg19) VCF-style: chr18-31158631-G-A.
Other names: short protein forms W12*.
Identifiers: ClinVar variation 2435563 (VCV002435563.4), dbSNP rs2511301336, ClinGen allele CA402269292.
Genomic context (GRCh38, chr18:33,578,667, plus strand): 5'-TCAGAACCATCAATGAGATGCAAACATGAAAGACAAGAGGAAGAAGAAGGACCGCACCTG[G>A]GCCGAGGCTGCCCGCCTGGTACGTACCGCCCCCCACACGCCGCCCGCGCCTCCCGCCGGC-3'

ClinVar aggregate classification (germline): Pathogenic/Likely pathogenic. Review status: criteria provided, multiple submitters, no conflicts (2 of 4 stars). 2 submissions from 2 submitters: Pathogenic (1); Likely pathogenic (1). Last evaluated 2025-11-11.

Conditions:
Bainbridge-Ropers syndrome. Also called: Severe feeding difficulties-failure to thrive-microcephaly due to ASXL3 deficiency syndrome. Identifiers: Orphanet 352577, MedGen C4750837, MONDO:0014205, OMIM 615485.

Submissions (2):

3billion
Classification: Pathogenic for Bainbridge-Ropers syndrome. Last evaluated: 2025-11-11. Review status: criteria provided, single submitter. Criteria: ACMG Guidelines, 2015. Collection method: clinical testing. Allele origin: germline. Affected: yes.
Comment: The variant is not observed in the gnomAD v4.1.0 dataset. Predicted Consequence/Location: Stop-gained (nonsense): predicted to result in a loss or disruption of normal protein function through nonsense-mediated decay (NMD) or protein truncation. Multiple pathogenic variants are reported downstream of the variant. The variant has been reported to be associated with ASXL3-related disorder (ClinVar ID: VCV002435563). Therefore, this variant is classified as Pathogenic according to the recommendation of ACMG/AMP guideline.

Revvity Omics, Revvity
Classification: Likely pathogenic for Bainbridge-Ropers syndrome. Last evaluated: 2021-12-14. Review status: criteria provided, single submitter. Criteria: ACMG Guidelines, 2015. Collection method: clinical testing. Allele origin: germline.